The following is an entry in ClinVar:

NM_052947.4(ALPK2):c.2801C>T (p.Pro934Leu)

Gene: ALPK2 (alpha kinase 2; minus strand). Cytogenetic location: 18q21.31.
Variant type: single nucleotide variant.
Coding change: c.2801C>T on transcript NM_052947.4 (MANE Select); coding-DNA position 2801, C replaced by T.
Protein change: p.Pro934Leu; replaces proline 934 with leucine.
Molecular consequence: missense variant.
Genome position (GRCh38, 1-based): chr18:58,537,386, G>A on the plus strand (C>T on the coding strand, the complement: ALPK2 is on the minus strand). VCF-style: chr18-58537386-G-A. GRCh37 (hg19) VCF-style: chr18-56204618-G-A.
Other names: short protein forms P934L.
Identifiers: ClinVar variation 3531002 (VCV003531002.1).

ClinVar aggregate classification (germline): Uncertain significance (1 of 4 stars; one submission).

Submission:

Ambry Genetics
Classification: Uncertain significance. Last evaluated: 2024-08-02. Review status: criteria provided, single submitter. Criteria: Ambry Variant Classification Scheme 2023. Collection method: clinical testing. Allele origin: germline.
Comment: The p.P934L variant (also known as c.2801C>T), located in coding exon 4 of the ALPK2 gene, results from a C to T substitution at nucleotide position 2801. The proline at codon 934 is replaced by leucine, an amino acid with similar properties. This amino acid position is conserved. In addition, this alteration is predicted to be tolerated by in silico analysis. Based on the available evidence, the clinical significance of this variant remains unclear.